The following is an entry in ClinVar:

NM_130837.3(OPA1):c.1231-53T>G

Gene: OPA1 (OPA1 mitochondrial dynamin like GTPase; plus strand). Cytogenetic location: 3q29.
Variant type: single nucleotide variant.
Coding change: c.1231-53T>G on transcript NM_130837.3 (MANE Select); 53 bases into the intron before coding-DNA position 1231, T replaced by G.
Molecular consequence: intron variant.
Genome position (GRCh38, 1-based): chr3:193,642,922, T>G. VCF-style: chr3-193642922-T-G. GRCh37 (hg19) VCF-style: chr3-193360711-T-G.
Other names: c.694-53T>G (NM_001354664.2); c.697-53T>G (NM_001354663.2); c.1120-53T>G (NM_130834.3); c.1177-53T>G (NM_130836.3); c.1066-53T>G (NM_015560.3); c.1123-53T>G (NM_130835.3); c.1012-53T>G (NM_130832.3); c.1069-53T>G (NM_130833.3); and 1 more.
Identifiers: ClinVar variation 675729 (VCV000675729.2), dbSNP rs2306720, ClinGen allele CA90531638.

ClinVar aggregate classification (germline): Likely benign. Review status: criteria provided, multiple submitters, no conflicts (2 of 4 stars). 2 submissions from 2 submitters: Likely benign (2). Last evaluated 2018-06-16.

Allele frequency attached by ClinVar (database versions not stated): gnomAD exomes 0.00195; ESP Exome Variant Server 0.00679; gnomAD 0.00723; TOPMed 0.00812; 1000 Genomes Project 0.01178; 1000 Genomes Project 30x 0.01312.
gnomAD v4.1: 4,012 of 1,578,650 alleles (0.25%); highest among the groups gnomAD compares: East Asian, 2.2%; 42 homozygotes.

Submissions (2):

GeneDx
Classification: Likely benign. Last evaluated: 2018-06-16. Review status: criteria provided, single submitter. Criteria: GeneDx Variant Classification (06012015). Collection method: clinical testing. Allele origin: germline. Affected: yes.
Comment: This variant is considered likely benign or benign based on one or more of the following criteria: it is a conservative change, it occurs at a poorly conserved position in the protein, it is predicted to be benign by multiple in silico algorithms, and/or has population frequency not consistent with disease.

Breakthrough Genomics
Classification: Likely benign. Review status: criteria provided, single submitter. Criteria: ACMG Guidelines, 2015. Collection method: not provided. Allele origin: germline. Inheritance: Autosomal recessive inheritance. Affected: yes.